The following is an entry in ClinVar:

ClinVar aggregate classification (germline): Conflicting classifications of pathogenicity. Review status: criteria provided, conflicting classifications (1 of 4 stars). 6 submissions from 6 submitters: Uncertain significance (2); Likely benign (2). 2 of the submissions do not count toward it. Last evaluated 2025-09-01.

Conditions:
DCC-related disorder. Also called: DCC-related condition.
Mirror movements 1 (MRMV1). Identifiers: Orphanet 238722, MedGen C1834870, OMIM 157600, MONDO:0008002.

Allele frequency attached by ClinVar (database versions not stated): 1000 Genomes Project 30x 0.00172; TOPMed 0.00261; gnomAD exomes 0.00279 and 0.00420; gnomAD 0.00274 and 0.00284; ExAC 0.00307; ESP Exome Variant Server 0.00323; 1000 Genomes Project 0.00180.
gnomAD v4.1: 6,469 of 1,610,312 alleles (0.4%); highest among the groups gnomAD compares: Non-Finnish European, 0.5%; 23 homozygotes.

Submissions (6):

CeGaT Center for Human Genetics Tuebingen
Classification: Likely benign. Last evaluated: 2025-09-01. Review status: criteria provided, single submitter. Criteria: CeGaT Center For Human Genetics Tuebingen Variant Classification Criteria Version 2. Collection method: clinical testing. Allele origin: germline. Affected: yes. Observed: 5 variant alleles.
Comment: DCC: BS2

Women's Health and Genetics/Laboratory Corporation of America, LabCorp
Classification: Likely benign. Last evaluated: 2023-04-14. Review status: criteria provided, single submitter. Criteria: LabCorp Variant Classification Summary - May 2015. Collection method: clinical testing. Allele origin: germline.

GeneDx
Classification: Uncertain significance. Last evaluated: 2021-02-17. Review status: criteria provided, single submitter. Criteria: GeneDx Variant Classification Process June 2021. Collection method: clinical testing. Allele origin: germline. Affected: yes.
Comment: In silico analysis supports that this missense variant has a deleterious effect on protein structure/function; Reported in an individual with congenital mirror movements (Meneret et al., 2014); This variant is associated with the following publications: (PMID: 29366874, 24808016)

Mendelics
Classification: Uncertain significance for Mirror movements 1. Last evaluated: 2019-05-28. Review status: criteria provided, single submitter. Criteria: Mendelics Assertion Criteria 2017. Collection method: clinical testing. Allele origin: unknown.

PreventionGenetics, part of Exact Sciences
Classification: Likely benign for DCC-related condition. Last evaluated: 2022-09-15. Review status: no assertion criteria provided. Collection method: clinical testing. Allele origin: germline. Not counted in ClinVar's aggregate classification.
Comment: This variant is classified as likely benign based on ACMG/AMP sequence variant interpretation guidelines (Richards et al. 2015 PMID: 25741868, with internal and published modifications).

GeneReviews
No classification provided. Condition: Mirror movements 1. Review status: no classification provided. Collection method: literature only. Allele origin: germline. Affected: yes. Not counted in ClinVar's aggregate classification.
Comment: May be associated with a higher risk of CMM.

Literature cited by the submitters: PubMed 24808016 (cited by GeneReviews); NCBI Bookshelf NBK279760 (cited by GeneReviews).

NM_005215.4(DCC):c.2105A>G (p.Asn702Ser)

Gene: DCC (DCC netrin 1 receptor; plus strand). Cytogenetic location: 18q21.2.
Variant type: single nucleotide variant.
Coding change: c.2105A>G on transcript NM_005215.4 (MANE Select); coding-DNA position 2105, A replaced by G.
Protein change: p.Asn702Ser; replaces asparagine 702 with serine.
Molecular consequence: missense variant.
Genome position (GRCh38, 1-based): chr18:53,322,098, A>G. VCF-style: chr18-53322098-A-G. GRCh37 (hg19) VCF-style: chr18-50848468-A-G.
Other names: short protein forms N702S.
Identifiers: ClinVar variation 187792 (VCV000187792.30), dbSNP rs35691189, ClinGen allele CA347152.